The following is an entry in ClinVar:

NM_006767.4(LZTR1):c.1974C>G (p.Tyr658Ter)

Gene: LZTR1 (leucine zipper like post translational regulator 1; plus strand). Cytogenetic location: 22q11.21.
Variant type: single nucleotide variant.
Coding change: c.1974C>G on transcript NM_006767.4 (MANE Select); coding-DNA position 1974, C replaced by G.
Protein change: p.Tyr658Ter; replaces tyrosine 658 with a stop codon.
Molecular consequence: nonsense.
Genome position (GRCh38, 1-based): chr22:20,995,777, C>G. VCF-style: chr22-20995777-C-G. GRCh37 (hg19) VCF-style: chr22-21350066-C-G.
Other names: short protein forms Y658*.
Identifiers: ClinVar variation 1343873 (VCV001343873.11), dbSNP rs939793375, ClinGen allele CA410778990.

ClinVar aggregate classification (germline): Pathogenic. Review status: criteria provided, multiple submitters, no conflicts (2 of 4 stars). 4 submissions from 4 submitters: Pathogenic (4). Last evaluated 2026-06-03.

Conditions:
Noonan syndrome 2 (NS2). Identifiers: Orphanet 648, MedGen C1854469, MONDO:0011531, OMIM 605275.
Hereditary cancer-predisposing syndrome. Also called: Hereditary Cancer Syndrome; Tumor predisposition; Hereditary neoplastic syndrome; Neoplastic Syndromes, Hereditary. Identifiers: Orphanet 140162, MedGen C0027672, MeSH D009386, MONDO:0015356.
Cardiovascular phenotype. Identifiers: MedGen CN230736.

gnomAD v4.1: 7 of 1,613,572 alleles (0.00043%); highest among the groups gnomAD compares: Non-Finnish European, 0.00059%; no homozygotes.

Submissions (4):

Women's Health and Genetics/Laboratory Corporation of America, LabCorp
Classification: Pathogenic for Noonan syndrome 2. Last evaluated: 2026-06-03. Review status: criteria provided, single submitter. Criteria: LabCorp Variant Classification Summary - May 2015. Collection method: clinical testing. Allele origin: germline.
Comment: Variant summary: LZTR1 c.1974C>G (p.Tyr658X) results in a premature termination codon, predicted to cause absence of the protein due to nonsense mediated decay, which is a commonly known mechanisms for disease. The variant was absent in 251292 control chromosomes. c.1974C>G has been observed in individual(s) affected with Congenital Heart Disease (Morton_2021,Sierant_2025). These report(s) do not provide unequivocal conclusions about association of the variant with disease. To our knowledge, no experimental evidence demonstrating an impact on protein function has been reported. ClinVar contains an entry for this variant (Variation ID: 1343873). The following publications have been ascertained in the context of this evaluation (PMID: 33084842, 40127276). Based on the evidence outlined above, the variant was classified as pathogenic for LZTR1-related conditions (AD Schwannomatosis, AD Noonan Syndrome, AR Noonan Syndrome).

Labcorp Genetics (formerly Invitae), Labcorp
Classification: Pathogenic. Last evaluated: 2025-12-18. Review status: criteria provided, single submitter. Criteria: Invitae Variant Classification Sherloc (09022015). Collection method: clinical testing. Allele origin: germline.
Comment: This sequence change creates a premature translational stop signal (p.Tyr658*) in the LZTR1 gene. It is expected to result in an absent or disrupted protein product. Loss-of-function variants in LZTR1 are known to be pathogenic (PMID: 24362817, 25335493, 25480913, 25795793, 29469822, 30368668, 30442762, 30442766, 30481304, 30859559). This variant is not present in population databases (gnomAD no frequency). This variant has not been reported in the literature in individuals affected with LZTR1-related conditions. ClinVar contains an entry for this variant (Variation ID: 1343873). For these reasons, this variant has been classified as Pathogenic.

Ambry Genetics
Classification: Pathogenic for Cardiovascular phenotype; Hereditary cancer-predisposing syndrome. Last evaluated: 2024-09-13. Review status: criteria provided, single submitter. Criteria: Ambry Variant Classification Scheme 2023. Collection method: clinical testing. Allele origin: germline.
Comment: The p.Y658* pathogenic mutation (also known as c.1974C>G), located in coding exon 17 of the LZTR1 gene, results from a C to G substitution at nucleotide position 1974. This changes the amino acid from a tyrosine to a stop codon within coding exon 17. This variant is considered to be rare based on population cohorts in the Genome Aggregation Database (gnomAD). This alteration is expected to result in loss of function by premature protein truncation or nonsense-mediated mRNA decay. Loss-of-function variants in LZTR1 are related to an increased risk for schwannomas and autosomal recessive Noonan syndrome; however, such associations with autosomal dominant Noonan syndrome have not been observed (Piotrowski A et al. Nat Genet. 2014 Feb;46:182-7; Yamamoto GL et al. J Med Genet. 2015 Jun;52:413-21; Johnston JJ et al. Genet Med. 2018 10;20:1175-1185). Based on the supporting evidence, this variant is pathogenic for an increased risk of LZTR1-related schwannomatosis (SWN) and would be expected to cause autosomal recessive Noonan syndrome when present along with a second pathogenic or likely pathogenic variant on the other allele; however, the association of this alteration with autosomal dominant Noonan syndrome is unlikely.

GeneDx
Classification: Pathogenic. Last evaluated: 2022-03-03. Review status: criteria provided, single submitter. Criteria: GeneDx Variant Classification Process June 2021. Collection method: clinical testing. Allele origin: germline. Affected: yes.
Comment: Nonsense variant predicted to result in protein truncation or nonsense mediated decay in a gene for which loss-of-function is a known mechanism of disease; Not observed at significant frequency in large population cohorts (gnomAD); This variant is associated with the following publications: (PMID: 33084842)

Literature cited by the submitters: PubMed 33084842 (cited by Women's Health and Genetics/Laboratory Corporation of America, LabCorp); PubMed 40127276 (cited by Women's Health and Genetics/Laboratory Corporation of America, LabCorp); PubMed 24362817 (cited by Labcorp Genetics (formerly Invitae), Labcorp); PubMed 25335493 (cited by Labcorp Genetics (formerly Invitae), Labcorp); PubMed 25480913 (cited by Labcorp Genetics (formerly Invitae), Labcorp); PubMed 25795793 (cited by Labcorp Genetics (formerly Invitae), Labcorp); PubMed 29469822 (cited by Labcorp Genetics (formerly Invitae), Labcorp); PubMed 30368668 (cited by Labcorp Genetics (formerly Invitae), Labcorp); PubMed 30442762 (cited by Labcorp Genetics (formerly Invitae), Labcorp); PubMed 30442766 (cited by Labcorp Genetics (formerly Invitae), Labcorp); PubMed 30481304 (cited by Labcorp Genetics (formerly Invitae), Labcorp); PubMed 30859559 (cited by Labcorp Genetics (formerly Invitae), Labcorp).